The following is an entry in ClinVar:

NM_001243133.2(NLRP3):c.397+16_397+29del

Gene: NLRP3 (NLR family pyrin domain containing 3; plus strand). Cytogenetic location: 1q44.
Variant type: Deletion.
Coding change: c.397+16_397+29del on transcript NM_001243133.2 (MANE Select); bases 16 to 29 of the intron after coding-DNA position 397, 14 bases deleted (GGTGCTTCTAGTTG).
Molecular consequence: intron variant.
Genome position (GRCh38, 1-based): chr1:247,423,365-247,423,378, GGTGCTTCTAGTTG deleted. VCF-style (leftmost placement, unchanged base first): chr1-247423364-TGGTGCTTCTAGTTG-T. GRCh37 (hg19) VCF-style: chr1-247586666-TGGTGCTTCTAGTTG-T.
Other names: c.403+16_403+29del (NM_004895.5); c.397+16_397+29del (NM_001127461.3, NM_001127462.3, NM_183395.3 and 1 more transcripts).
Identifiers: ClinVar variation 3645314 (VCV003645314.2).

ClinVar aggregate classification (germline): Uncertain significance (1 of 4 stars; one submission).

Conditions:
Cryopyrin associated periodic syndrome (CAPS). Identifiers: Orphanet 208650, MedGen C2316212, MONDO:0016168.

Submission:

Labcorp Genetics (formerly Invitae), Labcorp
Classification: Uncertain significance for Cryopyrin associated periodic syndrome. Last evaluated: 2024-03-29. Review status: criteria provided, single submitter. Criteria: Invitae Variant Classification Sherloc (09022015). Collection method: clinical testing. Allele origin: germline.
Comment: This sequence change falls in intron 2 of the NLRP3 gene. It does not directly change the encoded amino acid sequence of the NLRP3 protein. This variant is not present in population databases (gnomAD no frequency). This variant has not been reported in the literature in individuals affected with NLRP3-related conditions. Experimental studies and prediction algorithms are not available or were not evaluated, and the effect of this variant on mRNA splicing is currently unknown. In summary, the available evidence is currently insufficient to determine the role of this variant in disease. Therefore, it has been classified as a Variant of Uncertain Significance.